The following is an entry in ClinVar:

ClinVar aggregate classification (germline): Uncertain significance. Review status: criteria provided, multiple submitters, no conflicts (2 of 4 stars). 2 submissions from 2 submitters: Uncertain significance (2). Last evaluated 2025-12-09.

Conditions:
Beckwith-Wiedemann syndrome (BWS). Also called: EMG SYNDROME; Exomphalos macroglossia gigantism syndrome. Identifiers: Orphanet 116, MedGen C0004903, MONDO:0007534, OMIM 130650.
Inborn genetic diseases. Identifiers: MedGen C0950123, MeSH D030342.

Allele frequency attached by ClinVar (database versions not stated): TOPMed below 0.00001.

Submissions (2):

Ambry Genetics
Classification: Uncertain significance for Inborn genetic diseases. Last evaluated: 2025-12-09. Review status: criteria provided, single submitter. Criteria: Ambry Variant Classification Scheme 2023. Collection method: clinical testing. Allele origin: germline.
Comment: The c.172C>G (p.Q58E) alteration is located in exon 1 (coding exon 1) of the CDKN1C gene. This alteration results from a C to G substitution at nucleotide position 172, causing the glutamine (Q) at amino acid position 58 to be replaced by a glutamic acid (E). Based on data from gnomAD, the G allele has an overall frequency of <0.001% (0/222140) total alleles studied. The highest observed frequency was <0.001% (/) of alleles. Based on insufficient or conflicting evidence, the clinical significance of this alteration remains unclear.

Labcorp Genetics (formerly Invitae), Labcorp
Classification: Uncertain significance for Beckwith-Wiedemann syndrome. Last evaluated: 2022-10-03. Review status: criteria provided, single submitter. Criteria: Invitae Variant Classification Sherloc (09022015). Collection method: clinical testing. Allele origin: germline.
Comment: This sequence change replaces glutamine, which is neutral and polar, with glutamic acid, which is acidic and polar, at codon 58 of the CDKN1C protein (p.Gln58Glu). This variant is not present in population databases (gnomAD no frequency). This variant has not been reported in the literature in individuals affected with CDKN1C-related conditions. ClinVar contains an entry for this variant (Variation ID: 664266). Advanced modeling of protein sequence and biophysical properties (such as structural, functional, and spatial information, amino acid conservation, physicochemical variation, residue mobility, and thermodynamic stability) has been performed at Invitae for this missense variant, however the output from this modeling did not meet the statistical confidence thresholds required to predict the impact of this variant on CDKN1C protein function. In summary, the available evidence is currently insufficient to determine the role of this variant in disease. Therefore, it has been classified as a Variant of Uncertain Significance.

NM_001122630.2(CDKN1C):c.139C>G (p.Gln47Glu)

Gene: CDKN1C (cyclin dependent kinase inhibitor 1C; minus strand). Cytogenetic location: 11p15.4.
Variant type: single nucleotide variant.
Coding change: c.139C>G on transcript NM_001122630.2 (MANE Select); coding-DNA position 139, C replaced by G.
Protein change: p.Gln47Glu; replaces glutamine 47 with glutamic acid.
Molecular consequence: missense variant.
Genome position (GRCh38, 1-based): chr11:2,885,318, G>C on the plus strand (C>G on the coding strand, the complement: CDKN1C is on the minus strand). VCF-style: chr11-2885318-G-C. GRCh37 (hg19) VCF-style: chr11-2906548-G-C.
Other names: c.172C>G, p.Gln58Glu (LRG_533t1, NM_000076.2, NM_001362474.2); c.139C>G, p.Gln47Glu (NM_001122631.2, NM_001362475.2); short protein forms Q47E, Q58E.
Identifiers: ClinVar variation 664266 (VCV000664266.9), dbSNP rs1450572665, ClinGen allele CA379147519.